The following is an entry in ClinVar:

ClinVar aggregate classification (germline): Uncertain significance (1 of 4 stars; one submission).

Submission:

Ambry Genetics
Classification: Uncertain significance. Last evaluated: 2025-02-04. Review status: criteria provided, single submitter. Criteria: Ambry Variant Classification Scheme 2023. Collection method: clinical testing. Allele origin: germline.
Comment: The p.L29P variant (also known as c.86T>C), located in coding exon 1 of the MLH3 gene, results from a T to C substitution at nucleotide position 86. The leucine at codon 29 is replaced by proline, an amino acid with similar properties. This amino acid position is conserved. In addition, this alteration is predicted to be deleterious by in silico analysis. Based on the available evidence, the clinical significance of this variant remains unclear.

NM_001040108.2(MLH3):c.86T>C (p.Leu29Pro)

Gene: MLH3 (mutL homolog 3; minus strand). Cytogenetic location: 14q24.3.
Variant type: single nucleotide variant.
Coding change: c.86T>C on transcript NM_001040108.2 (MANE Select); coding-DNA position 86, T replaced by C.
Protein change: p.Leu29Pro; replaces leucine 29 with proline.
Molecular consequence: missense variant.
Genome position (GRCh38, 1-based): chr14:75,049,570, A>G on the plus strand (T>C on the coding strand, the complement: MLH3 is on the minus strand). VCF-style: chr14-75049570-A-G. GRCh37 (hg19) VCF-style: chr14-75516273-A-G.
Other names: c.86T>C, p.Leu29Pro (NM_014381.3); short protein forms L29P.
Identifiers: ClinVar variation 3873447 (VCV003873447.1).